The following is an entry in ClinVar:

NC_000003.12:g.(?_52405100)_(52405922_?)del

Gene: BAP1 (BRCA1 associated deubiquitinase 1; minus strand). Cytogenetic location: 3p21.1.
Variant type: Deletion.
Identifiers: ClinVar variation 641561 (VCV000641561.10).

ClinVar aggregate classification (germline): Likely pathogenic (1 of 4 stars; one submission).

Conditions:
BAP1-related tumor predisposition syndrome (TPDS1). Also called: Tumor susceptibility linked to germline BAP1 mutations; BAP1 tumor predisposition syndrome; COMMON Syndrome; TUMOR PREDISPOSITION SYNDROME 1. Identifiers: Orphanet 289539, MedGen C3280492, MONDO:0013692, OMIM 614327.

Submission:

Labcorp Genetics (formerly Invitae), Labcorp
Classification: Likely pathogenic for BAP1-related tumor predisposition syndrome. Last evaluated: 2018-08-27. Review status: criteria provided, single submitter. Criteria: Invitae Variant Classification Sherloc (09022015). Collection method: clinical testing. Allele origin: germline.
Comment: In summary, the currently available evidence indicates that the variant is pathogenic, but additional data are needed to prove that conclusively. Therefore, this variant has been classified as Likely Pathogenic. Loss-of-function variants in BAP1 are known to be pathogenic (PMID: 23684012, 21874000). This variant has not been reported in the literature in individuals with BAP1-related disease. This variant is a gross deletion of the genomic region encompassing part of exon 10 and part of exon 11 (c.872_1046del) of the BAP1 gene. It is expected to cause a frameshift or disrupt RNA splicing and likely results in an absent or disrupted protein product.

Literature cited by the submitters: PubMed 23684012; PubMed 21874000.